The following is an entry in ClinVar:

ClinVar aggregate classification (germline): Uncertain significance. Review status: criteria provided, multiple submitters, no conflicts (2 of 4 stars). 5 submissions from 5 submitters: Uncertain significance (5). Last evaluated 2025-05-08.

Conditions:
CEP164-related disorder. Also called: CEP164-related condition.
Inborn genetic diseases. Identifiers: MedGen C0950123, MeSH D030342.
Nephronophthisis 15 (NPHP15). Identifiers: Orphanet 3156, MedGen C3541853, MONDO:0013917, OMIM 614845.

Allele frequency attached by ClinVar (database versions not stated): TOPMed 0.00003.
gnomAD v4.1: 25 of 1,613,424 alleles (0.0015%); highest among the groups gnomAD compares: Middle Eastern, 0.033%; 1 homozygote.

Submissions (5):

PreventionGenetics, part of Exact Sciences
Classification: Uncertain significance for CEP164-related condition. Last evaluated: 2025-05-08. Review status: criteria provided, single submitter. Criteria: ACMG Guidelines, 2015. Collection method: clinical testing. Allele origin: germline.
Comment: The CEP164 c.2519G>A variant is predicted to result in the amino acid substitution p.Arg840His. To our knowledge, this variant has not been reported in the literature. This variant is reported in 0.012% of alleles in individuals of Latino descent in gnomAD. At this time, the clinical significance of this variant is uncertain due to the absence of conclusive functional and genetic evidence.

Labcorp Genetics (formerly Invitae), Labcorp
Classification: Uncertain significance for Nephronophthisis 15. Last evaluated: 2023-03-10. Review status: criteria provided, single submitter. Criteria: Invitae Variant Classification Sherloc (09022015). Collection method: clinical testing. Allele origin: germline.
Comment: In summary, the available evidence is currently insufficient to determine the role of this variant in disease. Therefore, it has been classified as a Variant of Uncertain Significance. Advanced modeling of protein sequence and biophysical properties (such as structural, functional, and spatial information, amino acid conservation, physicochemical variation, residue mobility, and thermodynamic stability) performed at Invitae indicates that this missense variant is expected to disrupt CEP164 protein function. ClinVar contains an entry for this variant (Variation ID: 954969). This variant has not been reported in the literature in individuals affected with CEP164-related conditions. This variant is present in population databases (rs201901144, gnomAD 0.01%). This sequence change replaces arginine, which is basic and polar, with histidine, which is basic and polar, at codon 840 of the CEP164 protein (p.Arg840His).

Ambry Genetics
Classification: Uncertain significance for Inborn genetic diseases. Last evaluated: 2023-02-07. Review status: criteria provided, single submitter. Criteria: Ambry Variant Classification Scheme 2023. Collection method: clinical testing. Allele origin: germline.

Fulgent Genetics
Classification: Uncertain significance for Nephronophthisis 15. Last evaluated: 2022-04-01. Review status: criteria provided, single submitter. Criteria: ACMG Guidelines, 2015. Collection method: clinical testing. Allele origin: unknown.

GeneDx
Classification: Uncertain significance. Last evaluated: 2019-08-21. Review status: criteria provided, single submitter. Criteria: GeneDx Variant Classification Process June 2021. Collection method: clinical testing. Allele origin: germline. Affected: yes.
Comment: In silico analysis, which includes protein predictors and evolutionary conservation, supports a deleterious effect; Has not been previously published as pathogenic or benign to our knowledge

NM_014956.5(CEP164):c.2519G>A (p.Arg840His)

Gene: CEP164 (centrosomal protein 164; plus strand). Cytogenetic location: 11q23.3.
Variant type: single nucleotide variant.
Coding change: c.2519G>A on transcript NM_014956.5 (MANE Select); coding-DNA position 2519, G replaced by A.
Protein change: p.Arg840His; replaces arginine 840 with histidine.
Molecular consequence: missense variant.
Genome position (GRCh38, 1-based): chr11:117,393,029, G>A. VCF-style: chr11-117393029-G-A. GRCh37 (hg19) VCF-style: chr11-117263745-G-A.
Other names: c.2528G>A, p.Arg843His (NM_001271933.2); short protein forms R840H, R843H.
Identifiers: ClinVar variation 954969 (VCV000954969.11), dbSNP rs201901144, ClinGen allele CA6295114.